The following is an entry in ClinVar:

ClinVar aggregate classification (germline): Benign/Likely benign. Review status: criteria provided, multiple submitters, no conflicts (2 of 4 stars). 5 submissions from 5 submitters: Benign (1); Likely benign (4). Last evaluated 2026-05-21.

Allele frequency attached by ClinVar (database versions not stated): 1000 Genomes Project 0.00339; 1000 Genomes Project 30x 0.00406; gnomAD 0.00432 and 0.00439; ExAC 0.00503; TOPMed 0.00533; gnomAD exomes 0.00543 and 0.00619; ESP Exome Variant Server 0.00623.
gnomAD v4.1: 9,826 of 1,613,626 alleles (0.61%); highest among the groups gnomAD compares: Middle Eastern, 1.5%; 43 homozygotes.

Submissions (5):

Women's Health and Genetics/Laboratory Corporation of America, LabCorp
Classification: Likely benign. Last evaluated: 2026-05-21. Review status: criteria provided, single submitter. Criteria: LabCorp Variant Classification Summary - May 2015. Collection method: clinical testing. Allele origin: germline.
Comment: Variant summary: CCDC8 c.954T>G (p.Asn318Lys) results in a non-conservative amino acid change in the encoded protein sequence. Algorithms developed to predict the effect of missense changes on protein structure and function are either unavailable or do not agree on the potential impact of this missense change. The variant allele was found at a frequency of 0.0054 in 251366 control chromosomes in the gnomAD database, including 7 homozygotes. The observed variant frequency exceeds the estimated maximal expected allele frequency for disease-causing variants in CCDC8. To our knowledge, no occurrence of c.954T>G in individuals affected with CCDC8-related conditions and no experimental evidence demonstrating its impact on protein function have been reported. ClinVar contains an entry for this variant (Variation ID: 377246). Based on the evidence outlined above, the variant was classified as likely benign.

CeGaT Center for Human Genetics Tuebingen
Classification: Likely benign. Last evaluated: 2026-03-01. Review status: criteria provided, single submitter. Criteria: CeGaT Center For Human Genetics Tuebingen Variant Classification Criteria Version 2. Collection method: clinical testing. Allele origin: germline. Affected: yes. Observed: 2 variant alleles.
Comment: CCDC8: BP4, BS2

Labcorp Genetics (formerly Invitae), Labcorp
Classification: Benign. Last evaluated: 2026-02-04. Review status: criteria provided, single submitter. Criteria: Invitae Variant Classification Sherloc (09022015). Collection method: clinical testing. Allele origin: germline.

Center for Pediatric Genomic Medicine, Children's Mercy Hospital and Clinics
Classification: Likely benign. Last evaluated: 2016-09-28. Review status: criteria provided, single submitter. Criteria: ACMG Guidelines, 2015. Collection method: clinical testing. Allele origin: germline.
ClinVar note: Converted during submission from Likely Benign to Likely benign.

Breakthrough Genomics
Classification: Likely benign. Review status: criteria provided, single submitter. Criteria: ACMG Guidelines, 2015. Collection method: not provided. Allele origin: germline. Inheritance: Autosomal recessive inheritance. Affected: yes.

NM_032040.5(CCDC8):c.954T>G (p.Asn318Lys)

Gene: CCDC8 (coiled-coil domain containing 8 subunit of 3M complex; minus strand). Cytogenetic location: 19q13.32.
Variant type: single nucleotide variant.
Coding change: c.954T>G on transcript NM_032040.5 (MANE Select); coding-DNA position 954, T replaced by G.
Protein change: p.Asn318Lys; replaces asparagine 318 with lysine.
Molecular consequence: missense variant.
Genome position (GRCh38, 1-based): chr19:46,411,857, A>C on the plus strand (T>G on the coding strand, the complement: CCDC8 is on the minus strand). VCF-style: chr19-46411857-A-C. GRCh37 (hg19) VCF-style: chr19-46915114-A-C.
Other names: short protein forms N318K.
Identifiers: ClinVar variation 377246 (VCV000377246.29), dbSNP rs143086771, ClinGen allele CA9528568.